The following is an entry in ClinVar:

NM_001165963.4(SCN1A):c.4075C>G (p.Leu1359Val)

Genes: SCN1A (sodium voltage-gated channel alpha subunit 1; minus strand), LOC102724058 (uncharacterized LOC102724058; plus strand). Cytogenetic location: 2q24.3.
Variant type: single nucleotide variant.
Coding change: c.4075C>G on transcript NM_001165963.4 (MANE Select); coding-DNA position 4075, C replaced by G.
Protein change: p.Leu1359Val; replaces leucine 1359 with valine.
Molecular consequence: missense variant. On other transcripts: non-coding transcript variant (1).
Genome position (GRCh38, 1-based): chr2:166,002,681, G>C on the plus strand (C>G on the coding strand, the complement: SCN1A is on the minus strand). VCF-style: chr2-166002681-G-C. GRCh37 (hg19) VCF-style: chr2-166859191-G-C.
Other names: c.3991C>G, p.Leu1331Val (NM_001165964.3, NM_001353957.2, NM_001353958.2); c.4075C>G, p.Leu1359Val (NM_001202435.3, NM_001353948.2); c.4042C>G, p.Leu1348Val (NM_001353949.2, NM_001353950.2, NM_001353951.2 and 2 more transcripts); c.4039C>G, p.Leu1347Val (NM_001353954.2, NM_001353955.2); c.3988C>G, p.Leu1330Val (NM_001353960.2); c.1633C>G, p.Leu545Val (NM_001353961.2); short protein forms L1331V, L1359V, L1330V, L1348V, L545V, L1347V.
Identifiers: ClinVar variation 1363015 (VCV001363015.9), dbSNP rs1691077298, ClinGen allele CA349050590.
Genomic context (GRCh38, chr2:166,002,681, plus strand): 5'-TGTTAATACAGTGGTAGAATTTGCCAGCAAACAAATTTACGCCCATGATGCTGAAAATTA[G>C]CCAGAATATAAGACAAACCAGAAGCACATTCATGATGGATGGAATTGCTCCTAAAAGGGC-3'
Protein context (NP_001159435.1, residues 1349-1369): NVLLVCLIFW[Leu1359Val]IFSIMGVNLF

ClinVar aggregate classification (germline): Uncertain significance (1 of 4 stars; one submission).

Conditions:
Early-infantile DEE. Also called: Early infantile epileptic encephalopathy with suppression bursts; Ohtahara syndrome; Early infantile epileptic encephalopathy. Identifiers: Orphanet 1934, MedGen C0393706, MONDO:0800491.

Submission:

Labcorp Genetics (formerly Invitae), Labcorp
Classification: Uncertain significance for Early-infantile DEE. Last evaluated: 2022-12-06. Review status: criteria provided, single submitter. Criteria: Invitae Variant Classification Sherloc (09022015). Collection method: clinical testing. Allele origin: germline.
Comment: Advanced modeling of protein sequence and biophysical properties (such as structural, functional, and spatial information, amino acid conservation, physicochemical variation, residue mobility, and thermodynamic stability) performed at Invitae indicates that this missense variant is expected to disrupt SCN1A protein function. In summary, the available evidence is currently insufficient to determine the role of this variant in disease. Therefore, it has been classified as a Variant of Uncertain Significance. This sequence change replaces leucine, which is neutral and non-polar, with valine, which is neutral and non-polar, at codon 1359 of the SCN1A protein (p.Leu1359Val). This variant is not present in population databases (gnomAD no frequency). This variant has not been reported in the literature in individuals affected with SCN1A-related conditions. ClinVar contains an entry for this variant (Variation ID: 1363015).